The following is an entry in ClinVar:

NM_015629.4(PRPF31):c.581C>T (p.Ala194Val)

Gene: PRPF31 (pre-mRNA processing factor 31; plus strand). Cytogenetic location: 19q13.42.
Variant type: single nucleotide variant.
Coding change: c.581C>T on transcript NM_015629.4 (MANE Select); coding-DNA position 581, C replaced by T.
Protein change: p.Ala194Val; replaces alanine 194 with valine.
Molecular consequence: missense variant.
Genome position (GRCh38, 1-based): chr19:54,123,802, C>T. VCF-style: chr19-54123802-C-T. GRCh37 (hg19) VCF-style: chr19-54627181-C-T.
Other names: short protein forms A194V.
Identifiers: ClinVar variation 4692575 (VCV004692575.1).

ClinVar aggregate classification (germline): Uncertain significance (1 of 4 stars; one submission).

gnomAD v4.1: 9 of 1,612,810 alleles (0.00056%); highest among the groups gnomAD compares: Non-Finnish European, 0.00076%; no homozygotes.

Submission:

Labcorp Genetics (formerly Invitae), Labcorp
Classification: Uncertain significance. Last evaluated: 2025-06-27. Review status: criteria provided, single submitter. Criteria: Invitae Variant Classification Sherloc (09022015). Collection method: clinical testing. Allele origin: germline.
Comment: This sequence change replaces alanine, which is neutral and non-polar, with valine, which is neutral and non-polar, at codon 194 of the PRPF31 protein (p.Ala194Val). This variant is not present in population databases (gnomAD no frequency). This variant has not been reported in the literature in individuals affected with PRPF31-related conditions. An algorithm developed to predict the effect of missense changes on protein structure and function (PolyPhen-2) suggests that this variant is likely to be tolerated. In summary, the available evidence is currently insufficient to determine the role of this variant in disease. Therefore, it has been classified as a Variant of Uncertain Significance.